The following is an entry in ClinVar:

ClinVar aggregate classification (germline): Conflicting classifications of pathogenicity. Review status: criteria provided, conflicting classifications (1 of 4 stars). 2 submissions from 2 submitters: Likely pathogenic (1); Uncertain significance (1). Last evaluated 2025-05-22.

Conditions:
Phenylketonuria (PKU). Also called: OLIGOPHRENIA PHENYLPYRUVICA; Phenylketonurias; Phenylketonuria (PKU); FOLLING DISEASE. Identifiers: Orphanet 716, MedGen C0031485, MONDO:0009861, OMIM 261600. Disease mechanism: loss of function.

Allele frequency attached by ClinVar (database versions not stated): gnomAD exomes below 0.00001.
gnomAD v4.1: 1 of 1,614,024 alleles (0.000062%); highest among the groups gnomAD compares: Non-Finnish European, 0.000085%; no homozygotes.

Submissions (2):

Women's Health and Genetics/Laboratory Corporation of America, LabCorp
Classification: Uncertain significance. Last evaluated: 2025-05-22. Review status: criteria provided, single submitter. Criteria: LabCorp Variant Classification Summary - May 2015. Collection method: clinical testing. Allele origin: germline.
Comment: Variant summary: PAH c.562G>A (p.Gly188Ser) results in a non-conservative amino acid change in the encoded protein sequence. Algorithms developed to predict the effect of missense changes on protein structure and function all suggest that this variant is likely to be disruptive. The variant was absent in 251296 control chromosomes. To our knowledge, no occurrence of c.562G>A in individuals affected with Phenylalanine Hydroxylase Deficiency (Phenylketonuria) and no experimental evidence demonstrating its impact on protein function have been reported. Other variant(s) that disrupt this residue have been determined to be pathogenic (PMID: 17557229, 22526846, 29499199). ClinVar contains an entry for this variant (Variation ID: 1513560). Based on the evidence outlined above, the variant was classified as VUS-possibly pathogenic.

Labcorp Genetics (formerly Invitae), Labcorp
Classification: Likely pathogenic for Phenylketonuria. Last evaluated: 2021-08-14. Review status: criteria provided, single submitter. Criteria: Invitae Variant Classification Sherloc (09022015). Collection method: clinical testing. Allele origin: germline.
Comment: In summary, the currently available evidence indicates that the variant is pathogenic, but additional data are needed to prove that conclusively. Therefore, this variant has been classified as Likely Pathogenic. This variant disrupts the p.Gly188 amino acid residue in PAH. Other variant(s) that disrupt this residue have been determined to be pathogenic (PMID: 17557229, 22526846, 29499199). This suggests that this residue is clinically significant, and that variants that disrupt this residue are likely to be disease-causing. Advanced modeling of protein sequence and biophysical properties (such as structural, functional, and spatial information, amino acid conservation, physicochemical variation, residue mobility, and thermodynamic stability) performed at Invitae indicates that this missense variant is expected to disrupt PAH protein function. This variant has not been reported in the literature in individuals affected with PAH-related conditions. This variant is not present in population databases (ExAC no frequency). This sequence change replaces glycine with serine at codon 188 of the PAH protein (p.Gly188Ser). The glycine residue is highly conserved and there is a small physicochemical difference between glycine and serine.

Literature cited by the submitters: PubMed 17557229 (cited by Labcorp Genetics (formerly Invitae), Labcorp); PubMed 22526846 (cited by Labcorp Genetics (formerly Invitae), Labcorp); PubMed 29499199 (cited by Labcorp Genetics (formerly Invitae), Labcorp).

NM_000277.3(PAH):c.562G>A (p.Gly188Ser)

Gene: PAH (phenylalanine hydroxylase; minus strand). Cytogenetic location: 12q23.2.
Variant type: single nucleotide variant.
Coding change: c.562G>A on transcript NM_000277.3 (MANE Select); coding-DNA position 562, G replaced by A.
Protein change: p.Gly188Ser; replaces glycine 188 with serine.
Molecular consequence: missense variant.
Genome position (GRCh38, 1-based): chr12:102,855,280, C>T on the plus strand (G>A on the coding strand, the complement: PAH is on the minus strand). VCF-style: chr12-102855280-C-T. GRCh37 (hg19) VCF-style: chr12-103249058-C-T.
Other names: c.562G>A, p.Gly188Ser (NM_001354304.2); short protein forms G188S.
Identifiers: ClinVar variation 1513560 (VCV001513560.6), dbSNP rs2136649680, ClinGen allele CA386296839.